The following is an entry in ClinVar:

ClinVar aggregate classification (germline): Uncertain significance. Review status: criteria provided, multiple submitters, no conflicts (2 of 4 stars). 2 submissions from 2 submitters: Uncertain significance (2). Last evaluated 2025-06-22.

Conditions:
Hereditary breast ovarian cancer syndrome. Also called: Breast and ovarian cancer; Hereditary breast and ovarian cancer; Hereditary breast and ovarian cancer syndrome (HBOC); Hereditary breast and/or ovarian cancer syndrome; Hereditary breast and ovarian cancer syndrome; BRCA1- and BRCA2-Associated Hereditary Breast and Ovarian Cancer. Identifiers: Orphanet 145, MedGen C0677776, MeSH D061325, MONDO:0003582. Disease mechanism: loss of function.

Submissions (2):

Labcorp Genetics (formerly Invitae), Labcorp
Classification: Uncertain significance for Hereditary breast ovarian cancer syndrome. Last evaluated: 2025-06-22. Review status: criteria provided, single submitter. Criteria: Invitae Variant Classification Sherloc (09022015). Collection method: clinical testing. Allele origin: germline.
Comment: This sequence change replaces glutamic acid, which is acidic and polar, with glycine, which is neutral and non-polar, at codon 1033 of the BRCA1 protein (p.Glu1033Gly). This variant is not present in population databases (gnomAD no frequency). This variant has not been reported in the literature in individuals affected with BRCA1-related conditions. ClinVar contains an entry for this variant (Variation ID: 2574388). Invitae Evidence Modeling of protein sequence and biophysical properties (such as structural, functional, and spatial information, amino acid conservation, physicochemical variation, residue mobility, and thermodynamic stability) indicates that this missense variant is not expected to disrupt BRCA1 protein function with a negative predictive value of 80%. In summary, the available evidence is currently insufficient to determine the role of this variant in disease. Therefore, it has been classified as a Variant of Uncertain Significance.

GeneDx
Classification: Uncertain significance. Last evaluated: 2023-01-24. Review status: criteria provided, single submitter. Criteria: GeneDx Variant Classification Process June 2021. Collection method: clinical testing. Allele origin: germline. Affected: yes.
Comment: Not observed at significant frequency in large population cohorts (gnomAD); In silico analysis supports that this missense variant has a deleterious effect on protein structure/function; Has not been previously published as pathogenic or benign to our knowledge; Also known as 3217A>G; This variant is associated with the following publications: (PMID: 15343273)

NM_007294.4(BRCA1):c.3098A>G (p.Glu1033Gly)

Gene: BRCA1 (BRCA1 DNA repair associated; minus strand). Cytogenetic location: 17q21.31.
Variant type: single nucleotide variant.
Coding change: c.3098A>G on transcript NM_007294.4 (MANE Select); coding-DNA position 3098, A replaced by G.
Protein change: p.Glu1033Gly; replaces glutamic acid 1033 with glycine.
Molecular consequence: missense variant. On other transcripts: intron variant (137).
Genome position (GRCh38, 1-based): chr17:43,092,433, T>C on the plus strand (A>G on the coding strand, the complement: BRCA1 is on the minus strand). VCF-style: chr17-43092433-T-C. GRCh37 (hg19) VCF-style: chr17-41244450-T-C.
Other names: c.788-1401A>G (NM_001407974.1, NM_001407973.1, NM_001408403.1 and 17 more transcripts); c.788-294A>G (NM_001407969.1, NM_001407968.1); c.578-1401A>G (NM_001408492.1, NM_001408513.1, NM_001408489.1 and 9 more transcripts); c.644-1401A>G (NM_001408468.1, NM_001408465.1, NM_001408463.1 and 3 more transcripts); c.524-1401A>G (NM_001408501.1, NM_001408500.1, NM_001408497.1 and 3 more transcripts); c.647-1401A>G (NM_001408455.1, NM_001408466.1, NM_001408452.1 and 11 more transcripts); c.521-1401A>G (NM_001408503.1, NM_001408505.1, NM_001408504.1); c.404-1401A>G (NM_001408511.1); and 41 more; short protein forms E1006G, E1007G, E1030G, E1032G, E1033G, E737G, E865G, E905G.
Identifiers: ClinVar variation 2574388 (VCV002574388.2), dbSNP rs2154342664, ClinGen allele CA10595794.